The following is an entry in ClinVar:

NM_001201550.3(CFHR4):c.244G>A (p.Val82Ile)

Gene: CFHR4 (complement factor H related 4; plus strand). Cytogenetic location: 1q31.3.
Variant type: single nucleotide variant.
Coding change: c.244G>A on transcript NM_001201550.3 (MANE Select); coding-DNA position 244, G replaced by A.
Protein change: p.Val82Ile; replaces valine 82 with isoleucine.
Molecular consequence: missense variant.
Genome position (GRCh38, 1-based): chr1:196,902,603, G>A. VCF-style: chr1-196902603-G-A. GRCh37 (hg19) VCF-style: chr1-196871733-G-A.
Other names: p.Val81Ile; c.241G>A, p.Val81Ile (NM_001201551.2); c.244G>A, p.Val82Ile (NM_006684.5); short protein forms V81I, V82I.
Identifiers: ClinVar variation 4683976 (VCV004683976.4).

ClinVar aggregate classification (germline): Likely benign. Review status: criteria provided, multiple submitters, no conflicts (2 of 4 stars). 3 submissions from 3 submitters: Likely benign (3). Last evaluated 2026-05-01.

gnomAD v4.1: 472 of 1,609,774 alleles (0.029%); highest among the groups gnomAD compares: African/African-American, 0.54%; 15 homozygotes.

Submissions (3):

CeGaT Center for Human Genetics Tuebingen
Classification: Likely benign. Last evaluated: 2026-05-01. Review status: criteria provided, single submitter. Criteria: CeGaT Center For Human Genetics Tuebingen Variant Classification Criteria Version 2. Collection method: clinical testing. Allele origin: germline. Affected: yes. Observed: 1 variant allele.
Comment: CFHR4: BP4, BS2

Women's Health and Genetics/Laboratory Corporation of America, LabCorp
Classification: Likely benign. Last evaluated: 2026-02-06. Review status: criteria provided, single submitter. Criteria: LabCorp Variant Classification Summary - May 2015. Collection method: clinical testing. Allele origin: germline.
Comment: Variant summary: CFHR4 c.244G>A (p.Val82Ile) results in a conservative amino acid change in the encoded protein sequence. Algorithms developed to predict the effect of missense changes on protein structure and function all suggest that this variant is likely to be tolerated. The variant allele was found at a frequency of 0.00042 in 249490 control chromosomes, predominantly at a frequency of 0.0052 within the African or African-American subpopulation in the gnomAD database, including 4 homozygotes. The observed variant frequency within African or African-American control individuals in the gnomAD database exceeds the estimated maximal expected allele frequency for disease-causing variants in CFHR4. To our knowledge, no occurrence of c.244G>A in individuals affected with CFHR4-related conditions and no experimental evidence demonstrating its impact on protein function have been reported. ClinVar contains an entry for this variant (Variation ID: 4683976). Based on the evidence outlined above, the variant was classified as likely benign.

Mayo Clinic Laboratories, Mayo Clinic
Classification: Likely benign. Last evaluated: 2024-12-23. Review status: criteria provided, single submitter. Criteria: ACMG Guidelines, 2015. Collection method: clinical testing. Allele origin: germline. Observed: 4 variant alleles.
Comment: BP1, BP4_moderate